The following is an entry in ClinVar:

NM_173849.3(GSC):c.25G>C (p.Asp9His)

Gene: GSC (goosecoid homeobox; minus strand). Cytogenetic location: 14q32.13.
Variant type: single nucleotide variant.
Coding change: c.25G>C on transcript NM_173849.3 (MANE Select); coding-DNA position 25, G replaced by C.
Protein change: p.Asp9His; replaces aspartic acid 9 with histidine.
Molecular consequence: missense variant.
Genome position (GRCh38, 1-based): chr14:94,769,991, C>G on the plus strand (G>C on the coding strand, the complement: GSC is on the minus strand). VCF-style: chr14-94769991-C-G. GRCh37 (hg19) VCF-style: chr14-95236328-C-G.
Other names: short protein forms D9H.
Identifiers: ClinVar variation 2691570 (VCV002691570.1), dbSNP rs1029759374, ClinGen allele CA391149345.

ClinVar aggregate classification (germline): Uncertain significance (1 of 4 stars; one submission).

gnomAD v4.1: 1 of 1,561,024 alleles (0.000064%); highest among the groups gnomAD compares: Non-Finnish European, 0.000086%; no homozygotes.

Submission:

Women's Health and Genetics/Laboratory Corporation of America, LabCorp
Classification: Uncertain significance. Last evaluated: 2023-12-08. Review status: criteria provided, single submitter. Criteria: LabCorp Variant Classification Summary - May 2015. Collection method: clinical testing. Allele origin: germline.
Comment: Variant summary: GSC c.25G>C (p.Asp9His) results in a non-conservative amino acid change in the encoded protein sequence. Five of five in-silico tools predict a damaging effect of the variant on protein function. The variant was absent in 165546 control chromosomes. The available data on variant occurrences in the general population are insufficient to allow any conclusion about variant significance. To our knowledge, no occurrence of c.25G>C in individuals affected with Short Stature-Auditory Canal Atresia-Mandibular Hypoplasia-Skeletal Anomalies Syndrome and no experimental evidence demonstrating its impact on protein function have been reported. No submitters have cited clinical-significance assessments for this variant to ClinVar after 2014. Based on the evidence outlined above, the variant was classified as uncertain significance.